The following is an entry in ClinVar:

NM_020166.5(MCCC1):c.1870-262C>T

Gene: MCCC1 (methylcrotonyl-CoA carboxylase subunit 1; minus strand). Cytogenetic location: 3q27.1.
Variant type: single nucleotide variant.
Coding change: c.1870-262C>T on transcript NM_020166.5 (MANE Select); 262 bases into the intron before coding-DNA position 1870, C replaced by T.
Molecular consequence: intron variant.
Genome position (GRCh38, 1-based): chr3:183,020,499, G>A on the plus strand (C>T on the coding strand, the complement: MCCC1 is on the minus strand). VCF-style: chr3-183020499-G-A. GRCh37 (hg19) VCF-style: chr3-182738287-G-A.
Other names: c.1543-262C>T (NM_001363880.1); c.1519-262C>T (NM_001293273.2).
Identifiers: ClinVar variation 684207 (VCV000684207.1), dbSNP rs10937106, ClinGen allele CA11429796.

ClinVar aggregate classification (germline): Benign (1 of 4 stars; one submission).

Allele frequency attached by ClinVar (database versions not stated): 1000 Genomes Project 30x 0.35540; 1000 Genomes Project 0.36202; TOPMed 0.47176; gnomAD 0.50106 and 0.50107.
gnomAD v4.1: 76,327 of 151,832 alleles (50%); highest among the groups gnomAD compares: Non-Finnish European, 71%; 23,954 homozygotes.

Submission:

GeneDx
Classification: Benign. Last evaluated: 2018-06-14. Review status: criteria provided, single submitter. Criteria: GeneDx Variant Classification (06012015). Collection method: clinical testing. Allele origin: germline. Affected: yes.
Comment: This variant is considered likely benign or benign based on one or more of the following criteria: it is a conservative change, it occurs at a poorly conserved position in the protein, it is predicted to be benign by multiple in silico algorithms, and/or has population frequency not consistent with disease.